The following is an entry in ClinVar:

NM_007194.4(CHEK2):c.1A>C (p.Met1Leu)

Gene: CHEK2 (checkpoint kinase 2; minus strand). Cytogenetic location: 22q12.1.
Variant type: single nucleotide variant.
Coding change: c.1A>C on transcript NM_007194.4 (MANE Select); coding-DNA position 1, A replaced by C.
Protein change: p.Met1Leu; changes the start codon (methionine 1).
Molecular consequence: missense variant, initiator codon variant.
Genome position (GRCh38, 1-based): chr22:28,734,721, T>G on the plus strand (A>C on the coding strand, the complement: CHEK2 is on the minus strand). VCF-style: chr22-28734721-T-G. GRCh37 (hg19) VCF-style: chr22-29130709-T-G.
Other names: c.1A>C, p.Met1Leu (NM_001005735.3, NM_001349956.3, NM_145862.3); c.-777A>C (NM_001257387.3); short protein forms M1L.
Identifiers: ClinVar variation 947894 (VCV000947894.11), dbSNP rs863224748, ClinGen allele CA411092194.

ClinVar aggregate classification (germline): Uncertain significance (1 of 4 stars; one submission).

Conditions:
Familial cancer of breast. Also called: Hereditary breast cancer; hereditary breast carcinoma; BREAST CANCER, FAMILIAL. Identifiers: Orphanet 227535, MedGen C0346153, MONDO:0016419, OMIM 114480. Disease mechanism: loss of function.

Submission:

Labcorp Genetics (formerly Invitae), Labcorp
Classification: Uncertain significance for Familial cancer of breast. Last evaluated: 2023-05-26. Review status: criteria provided, single submitter. Criteria: Invitae Variant Classification Sherloc (09022015). Collection method: clinical testing. Allele origin: germline.
Comment: This variant is not present in population databases (gnomAD no frequency). In summary, the available evidence is currently insufficient to determine the role of this variant in disease. Therefore, it has been classified as a Variant of Uncertain Significance. Experimental studies and prediction algorithms are not available or were not evaluated, and the functional significance of this variant is currently unknown. ClinVar contains an entry for this variant (Variation ID: 947894). This variant has not been reported in the literature in individuals affected with CHEK2-related conditions. This sequence change affects the initiator methionine of the CHEK2 mRNA. The next in-frame methionine is located at codon 46.